The following is an entry in ClinVar:

NM_001009944.3(PKD1):c.6012C>G (p.Tyr2004Ter)

Gene: PKD1 (polycystin 1, transient receptor potential channel interacting; minus strand). Cytogenetic location: 16p13.3.
Variant type: single nucleotide variant.
Coding change: c.6012C>G on transcript NM_001009944.3 (MANE Select); coding-DNA position 6012, C replaced by G.
Protein change: p.Tyr2004Ter; replaces tyrosine 2004 with a stop codon.
Molecular consequence: nonsense.
Genome position (GRCh38, 1-based): chr16:2,109,155, G>C on the plus strand (C>G on the coding strand, the complement: PKD1 is on the minus strand). VCF-style: chr16-2109155-G-C. GRCh37 (hg19) VCF-style: chr16-2159156-G-C.
Other names: c.6012C>G, p.Tyr2004Ter (NM_000296.4); short protein forms Y2004*.
Identifiers: ClinVar variation 4294054 (VCV004294054.1).

ClinVar aggregate classification (germline): Likely pathogenic (1 of 4 stars; one submission).

Conditions:
Polycystic kidney disease, adult type (PKD1). Also called: POLYCYSTIC KIDNEY DISEASE 1 WITH OR WITHOUT POLYCYSTIC LIVER DISEASE; POLYCYSTIC KIDNEY DISEASE, ADULT, TYPE I; Polycystic Kidney, Autosomal Dominant; Polycystic Kidney Disease 1, Autosomal Dominant; Polycystic kidney disease 1; Polycystic kidney disease 1, severe. Identifiers: MedGen C3149841, MONDO:0008263, OMIM 173900.

Submission:

3billion
Classification: Likely pathogenic for Polycystic kidney disease, adult type. Last evaluated: 2025-03-14. Review status: criteria provided, single submitter. Criteria: ACMG Guidelines, 2015. Collection method: clinical testing. Allele origin: germline. Affected: yes.
Comment: The variant is not observed in the gnomAD v4.1.0 dataset.Predicted Consequence/Location: Stop-gained (nonsense): predicted to result in a loss or disruption of normal protein function through nonsense-mediated decay (NMD) or protein truncation. Multiple pathogenic variants are reported downstream of the variant. Therefore, this variant is classified as Likely pathogenic (PS2_S, PM2_M, PP3_P) according to the recommendation of ACMG/AMP guideline.